The following is an entry in ClinVar:

ClinVar aggregate classification (germline): Uncertain significance. Review status: criteria provided, multiple submitters, no conflicts (2 of 4 stars). 4 submissions from 3 submitters: Uncertain significance (4). Last evaluated 2025-03-14.

Conditions:
RYR1-related disorder. Also called: RYR1-related condition; RYR1-related disorders. Identifiers: MedGen CN239331.
Inborn genetic diseases. Identifiers: MedGen C0950123, MeSH D030342.
Congenital multicore myopathy with external ophthalmoplegia (CMYO1B). Also called: MULTICORE MYOPATHY; Minicore myopathy with external ophthalmoplegia; Congenital myopathy 1B, autosomal recessive; Minicore myopathy; MULTIMINICORE DISEASE WITH EXTERNAL OPHTHALMOPLEGIA. Identifiers: Orphanet 598, Orphanet 98905, MedGen C1850674, MONDO:0009712, OMIM 255320, HP:0003789.
Malignant hyperthermia, susceptibility to, 1 (MHS1). Also called: Anesthesia related hyperthermia; Malignant hyperpyrexia; Fulminating hyperpyrexia; Pharmacogenic myopathy; RYR1-Related Malignant Hyperthermia Susceptibility; Malignant hyperthermia suceptibility 1. Identifiers: Orphanet 423, MedGen C2930980, MONDO:0007783, OMIM 145600.

Allele frequency attached by ClinVar (database versions not stated): TOPMed below 0.00001; gnomAD exomes 0.00002; ExAC 0.00003.
gnomAD v4.1: 20 of 1,614,222 alleles (0.0012%); highest among the groups gnomAD compares: Admixed American, 0.0067%; no homozygotes.

Submissions (4):

Ambry Genetics
Classification: Uncertain significance for Inborn genetic diseases. Last evaluated: 2025-03-14. Review status: criteria provided, single submitter. Criteria: Ambry Variant Classification Scheme 2023. Collection method: clinical testing. Allele origin: germline.

Labcorp Genetics (formerly Invitae), Labcorp
Classification: Uncertain significance for RYR1-related disorder. Last evaluated: 2023-07-13. Review status: criteria provided, single submitter. Criteria: Invitae Variant Classification Sherloc (09022015). Collection method: clinical testing. Allele origin: germline.
Comment: This sequence change replaces threonine, which is neutral and polar, with methionine, which is neutral and non-polar, at codon 3909 of the RYR1 protein (p.Thr3909Met). This variant is present in population databases (rs762258310, gnomAD 0.006%). This variant has not been reported in the literature in individuals affected with RYR1-related conditions. ClinVar contains an entry for this variant (Variation ID: 893428). Advanced modeling of protein sequence and biophysical properties (such as structural, functional, and spatial information, amino acid conservation, physicochemical variation, residue mobility, and thermodynamic stability) has been performed at Invitae for this missense variant, however the output from this modeling did not meet the statistical confidence thresholds required to predict the impact of this variant on RYR1 protein function. In summary, the available evidence is currently insufficient to determine the role of this variant in disease. Therefore, it has been classified as a Variant of Uncertain Significance.

Illumina Laboratory Services, Illumina
Classification: Uncertain significance for Congenital multicore myopathy with external ophthalmoplegia. Last evaluated: 2018-01-13. Review status: criteria provided, single submitter. Criteria: ICSL Variant Classification Criteria 13 December 2019. Collection method: clinical testing. Allele origin: germline.

Illumina Laboratory Services, Illumina
Classification: Uncertain significance for Malignant hyperthermia, susceptibility to, 1. Last evaluated: 2018-01-13. Review status: criteria provided, single submitter. Criteria: ICSL Variant Classification Criteria 13 December 2019. Collection method: clinical testing. Allele origin: germline.

NM_000540.3(RYR1):c.11726C>T (p.Thr3909Met)

Gene: RYR1 (ryanodine receptor 1; plus strand). Cytogenetic location: 19q13.2.
Variant type: single nucleotide variant.
Coding change: c.11726C>T on transcript NM_000540.3 (MANE Select); coding-DNA position 11726, C replaced by T.
Protein change: p.Thr3909Met; replaces threonine 3909 with methionine.
Molecular consequence: missense variant.
Genome position (GRCh38, 1-based): chr19:38,543,383, C>T. VCF-style: chr19-38543383-C-T. GRCh37 (hg19) VCF-style: chr19-39034023-C-T.
Other names: c.11711C>T, p.Thr3904Met (NM_001042723.2); short protein forms T3909M, T3904M.
Identifiers: ClinVar variation 893428 (VCV000893428.6), dbSNP rs762258310, ClinGen allele CA057550.